The following is an entry in ClinVar:

ClinVar aggregate classification (germline): Pathogenic (1 of 4 stars; one submission).

Submission:

Labcorp Genetics (formerly Invitae), Labcorp
Classification: Pathogenic. Last evaluated: 2025-03-25. Review status: criteria provided, single submitter. Criteria: Invitae Variant Classification Sherloc (09022015). Collection method: clinical testing. Allele origin: germline.
Comment: This sequence change creates a premature translational stop signal (p.Trp2870Leufs*58) in the PCNT gene. It is expected to result in an absent or disrupted protein product. Loss-of-function variants in PCNT are known to be pathogenic (PMID: 18174396, 22821869). This variant is present in population databases (no rsID available, gnomAD 0.0009%). This variant has not been reported in the literature in individuals affected with PCNT-related conditions. For these reasons, this variant has been classified as Pathogenic.

Literature cited by the submitters: PubMed 18174396; PubMed 22821869.

NM_006031.6(PCNT):c.8608dup (p.Trp2870fs)

Gene: PCNT (pericentrin; plus strand). Cytogenetic location: 21q22.3.
Variant type: Duplication.
Coding change: c.8608dup on transcript NM_006031.6 (MANE Select); coding-DNA position 8608, one base duplicated (T; older notation c.8608dupT).
Protein change: p.Trp2870fs; shifts the reading frame from tryptophan 2870.
Molecular consequence: frameshift variant. On other transcripts: intron variant (1).
Genome position (GRCh38, 1-based): chr21:46,432,072, T duplicated. VCF-style (leftmost placement, unchanged base first): chr21-46432071-G-GT. GRCh37 (hg19) VCF-style: chr21-47851985-G-GT.
Other names: c.8160+94dup (NM_001315529.2); short protein forms W2870fs.
Identifiers: ClinVar variation 4700833 (VCV004700833.1).